The following is an entry in ClinVar:

ClinVar aggregate classification (germline): Pathogenic. Review status: criteria provided, multiple submitters, no conflicts (2 of 4 stars). 2 submissions from 2 submitters: Pathogenic (2). Last evaluated 2025-09-10.

Conditions:
Glycogen storage disease type III (GSD3). Also called: FORBES DISEASE; Cori disease. Identifiers: Orphanet 366, MedGen C0017922, MONDO:0009291, OMIM 232400.

Submissions (2):

Labcorp Genetics (formerly Invitae), Labcorp
Classification: Pathogenic for Glycogen storage disease type III. Last evaluated: 2025-09-10. Review status: criteria provided, single submitter. Criteria: Invitae Variant Classification Sherloc (09022015). Collection method: clinical testing. Allele origin: germline.
Comment: This sequence change creates a premature translational stop signal (p.Gln667*) in the AGL gene. It is expected to result in an absent or disrupted protein product. Loss-of-function variants in AGL are known to be pathogenic (PMID: 19299494). This variant is not present in population databases (gnomAD no frequency). This premature translational stop signal has been observed in individual(s) with glycogen storage disease (PMID: 19834502). Algorithms developed to predict the effect of sequence changes on RNA splicing suggest that this variant may disrupt the consensus splice site. For these reasons, this variant has been classified as Pathogenic.

Natera, Inc.
Classification: Pathogenic for Glycogen storage disease type III. Last evaluated: 2024-03-27. Review status: criteria provided, single submitter. Criteria: Natera Variant Classification Schema (03/2026). Collection method: clinical testing. Allele origin: germline.
Comment: The c.1999C>T variant in AGL is a nonsense variant predicted to introduce a stop codon at amino acid 667. This variant is expected to result in nonsense mediated decay, truncation, or a dysfunctional protein product. This variant is rare in the general population with a frequency below the threshold expected for the associated phenotype(s). This variant has been observed in one or more individuals affected with the associated recessive disease, as either homozygous or compound heterozygous with a second variant (PMID: 19834502). Given the available evidence, this variant is classified as Pathogenic.

Literature cited by the submitters: PubMed 19299494 (cited by Labcorp Genetics (formerly Invitae), Labcorp); PubMed 19834502 (cited by Labcorp Genetics (formerly Invitae), Labcorp and Natera, Inc.).

NM_000642.3(AGL):c.1999C>T (p.Gln667Ter)

Gene: AGL (amylo-alpha-1,6-glucosidase and 4-alpha-glucanotransferase; plus strand). Cytogenetic location: 1p21.2.
Variant type: single nucleotide variant.
Coding change: c.1999C>T on transcript NM_000642.3 (MANE Select); coding-DNA position 1999, C replaced by T.
Protein change: p.Gln667Ter; replaces glutamine 667 with a stop codon.
Molecular consequence: nonsense.
Genome position (GRCh38, 1-based): chr1:99,881,175, C>T. VCF-style: chr1-99881175-C-T. GRCh37 (hg19) VCF-style: chr1-100346731-C-T.
Other names: c.1999C>T, p.Gln667Ter (NM_000644.3, NM_001425325.1, NM_001425326.1 and 2 more transcripts); c.1951C>T, p.Gln651Ter (NM_000646.3); c.1798C>T, p.Gln600Ter (NM_001425327.1); c.1795C>T, p.Gln599Ter (NM_001425328.1, NM_001425329.1); c.1621C>T, p.Gln541Ter (NM_001425332.1); c.1999C>T (NM_000642.2); short protein forms Q541*, Q599*, Q600*, Q651*, Q667*.
Identifiers: ClinVar variation 4746871 (VCV004746871.2).